The following is an entry in ClinVar:

ClinVar aggregate classification (germline): Uncertain significance (1 of 4 stars; one submission).

Conditions:
Hereditary spastic paraplegia 48. Also called: Spastic paraplegia 48; SPASTIC PARAPLEGIA 48, AUTOSOMAL RECESSIVE. Identifiers: Orphanet 306511, MedGen C3150901, MONDO:0013342, OMIM 613647.

Submission:

Labcorp Genetics (formerly Invitae), Labcorp
Classification: Uncertain significance for Hereditary spastic paraplegia 48. Last evaluated: 2018-11-20. Review status: criteria provided, single submitter. Criteria: Invitae Variant Classification Sherloc (09022015). Collection method: clinical testing. Allele origin: germline.
Comment: This variant is not present in population databases (ExAC no frequency). In summary, the available evidence is currently insufficient to determine the role of this variant in disease. Therefore, it has been classified as a Variant of Uncertain Significance. Algorithms developed to predict the effect of missense changes on protein structure and function (SIFT, PolyPhen-2, Align-GVGD) all suggest that this variant is likely to be disruptive, but these predictions have not been confirmed by published functional studies and their clinical significance is uncertain. This variant has not been reported in the literature in individuals with AP5Z1-related disease. This sequence change replaces cysteine with tryptophan at codon 324 of the AP5Z1 protein (p.Cys324Trp). The cysteine residue is highly conserved and there is a large physicochemical difference between cysteine and tryptophan.

NM_014855.3(AP5Z1):c.972C>G (p.Cys324Trp)

Gene: AP5Z1 (adaptor related protein complex 5 subunit zeta 1; plus strand). Cytogenetic location: 7p22.1.
Variant type: single nucleotide variant.
Coding change: c.972C>G on transcript NM_014855.3 (MANE Select); coding-DNA position 972, C replaced by G.
Protein change: p.Cys324Trp; replaces cysteine 324 with tryptophan.
Molecular consequence: missense variant. On other transcripts: non-coding transcript variant (1).
Genome position (GRCh38, 1-based): chr7:4,785,524, C>G. VCF-style: chr7-4785524-C-G. GRCh37 (hg19) VCF-style: chr7-4825155-C-G.
Other names: c.972C>G, p.Cys324Trp (LRG_1247t1); c.504C>G, p.Cys168Trp (NM_001364858.1); short protein forms C324W, C168W.
Identifiers: ClinVar variation 649211 (VCV000649211.8), dbSNP rs1583233186, ClinGen allele CA366661189.